The following is an entry in ClinVar:

ClinVar aggregate classification (germline): Uncertain significance. Review status: criteria provided, multiple submitters, no conflicts (2 of 4 stars). 2 submissions from 2 submitters: Uncertain significance (2). Last evaluated 2025-12-10.

Conditions:
Hereditary cancer-predisposing syndrome. Also called: Neoplastic Syndromes, Hereditary; Tumor predisposition; Hereditary neoplastic syndrome; Hereditary Cancer Syndrome. Identifiers: Orphanet 140162, MedGen C0027672, MeSH D009386, MONDO:0015356.
BAP1-related tumor predisposition syndrome (TPDS1). Also called: TUMOR PREDISPOSITION SYNDROME 1; Tumor susceptibility linked to germline BAP1 mutations; BAP1 tumor predisposition syndrome; COMMON Syndrome. Identifiers: Orphanet 289539, MedGen C3280492, MONDO:0013692, OMIM 614327.

Submissions (2):

Ambry Genetics
Classification: Uncertain significance for Hereditary cancer-predisposing syndrome. Last evaluated: 2025-12-10. Review status: criteria provided, single submitter. Criteria: Ambry Variant Classification Scheme 2023. Collection method: clinical testing. Allele origin: germline.
Comment: The c.1111_1116+17dup23 variant results from a duplication of 23 nucleotides between positions c.1111 and c.1116+17 and involves the canonical splice donor site after coding exon 11 of the BAP1 gene. In silico splice site analysis predicts that this alteration will result in the creation or strengthening of a novel splice donor site; however, the exact impact of this duplication on splicing and function is currently unknown. The canonical splice site is highly conserved in available vertebrate species. Based on the available evidence, the clinical significance of this variant remains unclear.

Labcorp Genetics (formerly Invitae), Labcorp
Classification: Uncertain significance for BAP1-related tumor predisposition syndrome. Last evaluated: 2025-06-30. Review status: criteria provided, single submitter. Criteria: Invitae Variant Classification Sherloc (09022015). Collection method: clinical testing. Allele origin: germline.
Comment: This sequence change falls in intron 11 of the BAP1 gene. It does not directly change the encoded amino acid sequence of the BAP1 protein. This variant is not present in population databases (gnomAD no frequency). This variant has not been reported in the literature in individuals affected with BAP1-related conditions. ClinVar contains an entry for this variant (Variation ID: 1367458). Experimental studies and prediction algorithms are not available or were not evaluated, and the effect of this variant on mRNA splicing is currently unknown. In summary, the available evidence is currently insufficient to determine the role of this variant in disease. Therefore, it has been classified as a Variant of Uncertain Significance.

NM_004656.4(BAP1):c.1111_1116+17dup

Gene: BAP1 (BRCA1 associated deubiquitinase 1; minus strand). Cytogenetic location: 3p21.1.
Variant type: Duplication.
Coding change: c.1111_1116+17dup on transcript NM_004656.4 (MANE Select); coding-DNA position 1111 through 17 bases into the intron after coding-DNA position 1116, 23 bases duplicated (ATGCAGGTAAGCTGGGAGCACCC).
Molecular consequence: splice donor variant.
Genome position (GRCh38, 1-based): chr3:52,405,093-52,405,115, GGGTGCTCCCAGCTTACCTGCAT duplicated on the plus strand (ATGCAGGTAAGCTGGGAGCACCC on the coding strand, the reverse complement: BAP1 is on the minus strand); duplicating any 23 consecutive bases within chr3:52,405,093-52,405,118 gives the same sequence; the c. name uses the placement nearest the transcript's 3' end. VCF-style (leftmost placement, unchanged base first): chr3-52405092-A-AGGGTGCTCCCAGCTTACCTGCAT. GRCh37 (hg19) VCF-style: chr3-52439108-A-AGGGTGCTCCCAGCTTACCTGCAT.
Other names: c.1111_1116+17dupATGCAGGTAAGCTGGGAGCACCC (NM_004656.2).
Identifiers: ClinVar variation 1367458 (VCV001367458.7), dbSNP rs2153226971, ClinGen allele CA2573137332.